The following is an entry in ClinVar:

NM_007078.3(LDB3):c.1150T>A (p.Tyr384Asn)

Gene: LDB3 (LIM domain binding 3; plus strand). Cytogenetic location: 10q23.2.
Variant type: single nucleotide variant.
Coding change: c.1150T>A on transcript NM_007078.3 (MANE Select); coding-DNA position 1150, T replaced by A.
Protein change: p.Tyr384Asn; replaces tyrosine 384 with asparagine.
Molecular consequence: missense variant.
Genome position (GRCh38, 1-based): chr10:86,709,969, T>A. VCF-style: chr10-86709969-T-A. GRCh37 (hg19) VCF-style: chr10-88469726-T-A.
Other names: c.1150T>A (LRG_385t1); c.820T>A, p.Tyr274Asn (NM_001080114.2); c.1165T>A, p.Tyr389Asn (NM_001171610.2); c.961T>A, p.Tyr321Asn (NM_001368064.1, NM_001368065.1); c.1009T>A, p.Tyr337Asn (NM_001368066.1); short protein forms Y384N, Y274N, Y389N, Y337N, Y321N.
Identifiers: ClinVar variation 464290 (VCV000464290.7), dbSNP rs1554860857, ClinGen allele CA377448487.

ClinVar aggregate classification (germline): Uncertain significance (1 of 4 stars; one submission).

Conditions:
Myofibrillar myopathy 4. Also called: Zaspopathy (type). Identifiers: Orphanet 98912, MedGen C4721886, MONDO:0012277, OMIM 609452.

Submission:

Labcorp Genetics (formerly Invitae), Labcorp
Classification: Uncertain significance for Myofibrillar myopathy 4. Last evaluated: 2017-07-10. Review status: criteria provided, single submitter. Criteria: Invitae Variant Classification Sherloc (09022015). Collection method: clinical testing. Allele origin: germline.
Comment: This sequence change replaces tyrosine with asparagine at codon 384 of the LDB3 protein (p.Tyr384Asn). The tyrosine residue is highly conserved and there is a large physicochemical difference between tyrosine and asparagine. The LDB3 gene has multiple clinically relevant isoforms. The p.Tyr384Asn variant occurs in alternate transcript NM_007078.2, which corresponds to position c.*10595T>A, in NM_001080116.1, the primary transcript listed in the Methods. Algorithms developed to predict the effect of missense changes on protein structure and function do not agree on the potential impact of this missense change (SIFT: "Deleterious"; Align-GVGD: "Class C0"). In summary, the available evidence is currently insufficient to determine the role of this variant in disease. Therefore, it has been classified as a Variant of Uncertain Significance. This variant has not been reported in the literature in individuals with LDB3-related disease. This variant is not present in population databases (ExAC no frequency).